The following is an entry in ClinVar:

ClinVar aggregate classification (germline): Benign/Likely benign. Review status: criteria provided, multiple submitters, no conflicts (2 of 4 stars). 5 submissions from 5 submitters: Benign (4); Likely benign (1). Last evaluated 2026-01-02.

Allele frequency attached by ClinVar (database versions not stated): gnomAD exomes 0.00151 and 0.00590; gnomAD 0.00196 and 0.00279; ExAC 0.00313; TOPMed 0.00323; 1000 Genomes Project 30x 0.01437; 1000 Genomes Project 0.01458.
gnomAD v4.1: 2,732 of 1,550,096 alleles (0.18%); highest among the groups gnomAD compares: East Asian, 4.9%; 77 homozygotes.

Submissions (5):

Labcorp Genetics (formerly Invitae), Labcorp
Classification: Benign. Last evaluated: 2026-01-02. Review status: criteria provided, single submitter. Criteria: Invitae Variant Classification Sherloc (09022015). Collection method: clinical testing. Allele origin: germline.

ARUP Laboratories, Molecular Genetics and Genomics, ARUP Laboratories
Classification: Benign. Last evaluated: 2025-06-18. Review status: criteria provided, single submitter. Criteria: ARUP Molecular Germline Variant Investigation Process 2024. Collection method: clinical testing. Allele origin: germline.

Mayo Clinic Laboratories, Mayo Clinic
Classification: Likely benign. Last evaluated: 2024-12-06. Review status: criteria provided, single submitter. Criteria: ACMG Guidelines, 2015. Collection method: clinical testing. Allele origin: germline. Observed: 18 variant alleles.
Comment: BS1, BS2

GeneDx
Classification: Benign. Last evaluated: 2019-10-19. Review status: criteria provided, single submitter. Criteria: GeneDx Variant Classification Process June 2021. Collection method: clinical testing. Allele origin: germline. Affected: yes.

Breakthrough Genomics
Classification: Benign. Review status: criteria provided, single submitter. Criteria: ACMG Guidelines, 2015. Collection method: not provided. Allele origin: germline. Inheritance: Autosomal recessive inheritance. Affected: yes.

NM_001142864.4(PIEZO1):c.7332C>T (p.Tyr2444=)

Gene: PIEZO1 (piezo type mechanosensitive ion channel component 1 (Er blood group); minus strand). Cytogenetic location: 16q24.3.
Variant type: single nucleotide variant.
Coding change: c.7332C>T on transcript NM_001142864.4 (MANE Select); coding-DNA position 7332, C replaced by T.
Protein change: p.Tyr2444=; no amino-acid change (tyrosine 2444 retained).
Molecular consequence: synonymous variant.
Genome position (GRCh38, 1-based): chr16:88,715,839, G>A on the plus strand (C>T on the coding strand, the complement: PIEZO1 is on the minus strand). VCF-style: chr16-88715839-G-A. GRCh37 (hg19) VCF-style: chr16-88782247-G-A.
Other names: p.Tyr2444=.
Identifiers: ClinVar variation 779973 (VCV000779973.24), dbSNP rs140778010, ClinGen allele CA8231346.